The following is an entry in ClinVar:

ClinVar aggregate classification (germline): Likely benign (1 of 4 stars; one submission).

Submission:

GeneDx
Classification: Likely benign. Last evaluated: 2016-03-09. Review status: criteria provided, single submitter. Criteria: GeneDx Variant Classification (06012015). Collection method: clinical testing. Allele origin: germline. Affected: yes.
Comment: This variant is considered likely benign or benign based on one or more of the following criteria: it is a conservative change, it occurs at a poorly conserved position in the protein, it is predicted to be benign by multiple in silico algorithms, and/or has population frequency not consistent with disease.

NM_025219.3(DNAJC5):c.-21_-14del

Gene: DNAJC5 (DnaJ heat shock protein family (Hsp40) member C5; plus strand). Cytogenetic location: 20q13.33.
Variant type: Deletion.
Coding change: c.-21_-14del on transcript NM_025219.3 (MANE Select); 21 bases upstream of the start codon through 14 bases upstream of the start codon, 8 bases deleted (GGACGGGC; older notation c.-21_-14delGGACGGGC).
Molecular consequence: 5 prime UTR variant.
Genome position (GRCh38, 1-based): chr20:63,895,314-63,895,321, GGACGGGC deleted; deleting any 8 consecutive bases within chr20:63,895,309-63,895,321 gives the same sequence; the c. name uses the placement nearest the transcript's 3' end. VCF-style (leftmost placement, unchanged base first): chr20-63895308-GCGGGCGGA-G. GRCh37 (hg19) VCF-style: chr20-62526661-GCGGGCGGA-G.
Identifiers: ClinVar variation 420557 (VCV000420557.1), dbSNP rs1064794557, ClinGen allele CA16620984.